The following is an entry in ClinVar:

ClinVar aggregate classification (germline): Uncertain significance (1 of 4 stars; one submission).

Allele frequency attached by ClinVar (database versions not stated): ExAC 0.00001; gnomAD 0.00001; TOPMed 0.00001.

Submission:

GeneDx
Classification: Uncertain significance. Last evaluated: 2023-12-11. Review status: criteria provided, single submitter. Criteria: GeneDx Variant Classification Process June 2021. Collection method: clinical testing. Allele origin: germline. Affected: yes.
Comment: Not observed at significant frequency in large population cohorts (gnomAD); In silico analysis supports that this missense variant has a deleterious effect on protein structure/function; Has not been previously published as pathogenic or benign to our knowledge

NM_000178.4(GSS):c.661C>T (p.Arg221Cys)

Gene: GSS (glutathione synthetase; minus strand). Cytogenetic location: 20q11.22.
Variant type: single nucleotide variant.
Coding change: c.661C>T on transcript NM_000178.4 (MANE Select); coding-DNA position 661, C replaced by T.
Protein change: p.Arg221Cys; replaces arginine 221 with cysteine.
Molecular consequence: missense variant.
Genome position (GRCh38, 1-based): chr20:34,936,971, G>A on the plus strand (C>T on the coding strand, the complement: GSS is on the minus strand). VCF-style: chr20-34936971-G-A. GRCh37 (hg19) VCF-style: chr20-33524774-G-A.
Other names: c.661C>T, p.Arg221Cys (NM_001322494.1, NM_001322495.1); short protein forms R221C.
Identifiers: ClinVar variation 3253384 (VCV003253384.1), dbSNP rs765148246.